The following is an entry in ClinVar:

NM_020549.5(CHAT):c.314G>C (p.Gly105Ala)

Gene: CHAT (choline O-acetyltransferase; plus strand). Cytogenetic location: 10q11.23.
Variant type: single nucleotide variant.
Coding change: c.314G>C on transcript NM_020549.5 (MANE Select); coding-DNA position 314, G replaced by C.
Protein change: p.Gly105Ala; replaces glycine 105 with alanine.
Molecular consequence: missense variant. On other transcripts: 5 prime UTR variant (5).
Genome position (GRCh38, 1-based): chr10:49,616,529, G>C. VCF-style: chr10-49616529-G-C. GRCh37 (hg19) VCF-style: chr10-50824575-G-C.
Other names: c.-41G>C (NM_001142929.2, NM_001142934.2, NM_020984.4 and 2 more transcripts); c.68G>C, p.Gly23Ala (NM_001142933.2); short protein forms G23A, G105A.
Identifiers: ClinVar variation 656933 (VCV000656933.7), dbSNP rs149711635, ClinGen allele CA5497089.

ClinVar aggregate classification (germline): Uncertain significance. Review status: criteria provided, multiple submitters, no conflicts (2 of 4 stars). 2 submissions from 2 submitters: Uncertain significance (2). Last evaluated 2025-09-09.

Conditions:
Inborn genetic diseases. Identifiers: MedGen C0950123, MeSH D030342.
Familial infantile myasthenia (CMS6). Also called: MYASTHENIC SYNDROME, CONGENITAL, 6, PRESYNAPTIC; MYASTHENIC SYNDROME, PRESYNAPTIC, CONGENITAL, ASSOCIATED WITH EPISODIC APNEA; Congenital myasthenic syndrome type 6. Identifiers: Orphanet 590, MedGen C0393929, MONDO:0009689, OMIM 254210.

Allele frequency attached by ClinVar (database versions not stated): ExAC 0.00001; gnomAD exomes 0.00003; TOPMed 0.00006; ESP Exome Variant Server 0.00008.
gnomAD v4.1: 49 of 1,612,910 alleles (0.003%); highest among the groups gnomAD compares: Non-Finnish European, 0.004%; no homozygotes.

Submissions (2):

Ambry Genetics
Classification: Uncertain significance for Inborn genetic diseases. Last evaluated: 2025-09-09. Review status: criteria provided, single submitter. Criteria: Ambry Variant Classification Scheme 2023. Collection method: clinical testing. Allele origin: germline.

Labcorp Genetics (formerly Invitae), Labcorp
Classification: Uncertain significance for Familial infantile myasthenia. Last evaluated: 2022-02-03. Review status: criteria provided, single submitter. Criteria: Invitae Variant Classification Sherloc (09022015). Collection method: clinical testing. Allele origin: germline.
Comment: This sequence change replaces glycine, which is neutral and non-polar, with alanine, which is neutral and non-polar, at codon 105 of the CHAT protein (p.Gly105Ala). This variant is present in population databases (rs149711635, gnomAD 0.005%). This variant has not been reported in the literature in individuals affected with CHAT-related conditions. ClinVar contains an entry for this variant (Variation ID: 656933). Advanced modeling of protein sequence and biophysical properties (such as structural, functional, and spatial information, amino acid conservation, physicochemical variation, residue mobility, and thermodynamic stability) performed at Invitae indicates that this missense variant is not expected to disrupt CHAT protein function. In summary, the available evidence is currently insufficient to determine the role of this variant in disease. Therefore, it has been classified as a Variant of Uncertain Significance.